The following is an entry in ClinVar:

ClinVar aggregate classification (germline): Uncertain significance (1 of 4 stars; one submission).

Conditions:
Werner syndrome (WRN). Identifiers: Orphanet 902, MedGen C0043119, MONDO:0010196, OMIM 277700.

Submission:

Labcorp Genetics (formerly Invitae), Labcorp
Classification: Uncertain significance for Werner syndrome. Last evaluated: 2022-12-13. Review status: criteria provided, single submitter. Criteria: Invitae Variant Classification Sherloc (09022015). Collection method: clinical testing. Allele origin: germline.
Comment: In summary, the available evidence is currently insufficient to determine the role of this variant in disease. Therefore, it has been classified as a Variant of Uncertain Significance. Studies have shown that this variant results in skipping of exon 29 and introduces a premature termination codon (Invitae). The resulting mRNA is expected to undergo nonsense-mediated decay. This variant has not been reported in the literature in individuals affected with WRN-related conditions. This variant is not present in population databases (gnomAD no frequency). This sequence change falls in intron 28 of the WRN gene. It does not directly change the encoded amino acid sequence of the WRN protein. RNA analysis indicates that this variant induces altered splicing and may result in an absent or disrupted protein product.

NM_000553.6(WRN):c.3384-5T>G

Gene: WRN (WRN RecQ like helicase; plus strand). Cytogenetic location: 8p12.
Variant type: single nucleotide variant.
Coding change: c.3384-5T>G on transcript NM_000553.6 (MANE Select); 5 bases into the intron before coding-DNA position 3384, T replaced by G.
Molecular consequence: intron variant.
Genome position (GRCh38, 1-based): chr8:31,147,048, T>G. VCF-style: chr8-31147048-T-G. GRCh37 (hg19) VCF-style: chr8-31004564-T-G.
Identifiers: ClinVar variation 2820572 (VCV002820572.3), dbSNP rs2536041645, ClinGen allele CA2739279015.